The following is an entry in ClinVar:

NM_004370.6(COL12A1):c.8344A>G (p.Ile2782Val)

Gene: COL12A1 (collagen type XII alpha 1 chain; minus strand). Cytogenetic location: 6q13.
Variant type: single nucleotide variant.
Coding change: c.8344A>G on transcript NM_004370.6 (MANE Select); coding-DNA position 8344, A replaced by G.
Protein change: p.Ile2782Val; replaces isoleucine 2782 with valine.
Molecular consequence: missense variant.
Genome position (GRCh38, 1-based): chr6:75,102,668, T>C on the plus strand (A>G on the coding strand, the complement: COL12A1 is on the minus strand). VCF-style: chr6-75102668-T-C. GRCh37 (hg19) VCF-style: chr6-75812384-T-C.
Other names: c.8344A>G, p.Ile2782Val (NM_001424113.1); c.8323A>G, p.Ile2775Val (NM_001424114.1); c.8071A>G, p.Ile2691Val (NM_001424115.1); c.4852A>G, p.Ile1618Val (NM_001424116.1, NM_080645.3); short protein forms I1618V, I2782V, I2691V, I2775V.
Identifiers: ClinVar variation 4787961 (VCV004787961.1).

ClinVar aggregate classification (germline): Uncertain significance (1 of 4 stars; one submission).

Conditions:
Ullrich congenital muscular dystrophy 2 (UCMD2). Identifiers: Orphanet 75840, MedGen C4225314, MONDO:0014654, OMIM 616470.
Bethlem myopathy 2 (BTHLM2). Identifiers: Orphanet 536516, Orphanet 610, MedGen C4225313, MONDO:0034022, OMIM 616471.

gnomAD v4.1: 4 of 1,570,424 alleles (0.00025%); highest among the groups gnomAD compares: Non-Finnish European, 0.00034%; no homozygotes.

Submission:

Labcorp Genetics (formerly Invitae), Labcorp
Classification: Uncertain significance for Bethlem myopathy 2; Ullrich congenital muscular dystrophy 2. Last evaluated: 2025-02-20. Review status: criteria provided, single submitter. Criteria: Invitae Variant Classification Sherloc (09022015). Collection method: clinical testing. Allele origin: germline.
Comment: This sequence change replaces isoleucine, which is neutral and non-polar, with valine, which is neutral and non-polar, at codon 2782 of the COL12A1 protein (p.Ile2782Val). This variant is present in population databases (no rsID available, gnomAD 0.007%). This variant has not been reported in the literature in individuals affected with COL12A1-related conditions. Invitae Evidence Modeling of protein sequence and biophysical properties (such as structural, functional, and spatial information, amino acid conservation, physicochemical variation, residue mobility, and thermodynamic stability) indicates that this missense variant is not expected to disrupt COL12A1 protein function with a negative predictive value of 80%. In summary, the available evidence is currently insufficient to determine the role of this variant in disease. Therefore, it has been classified as a Variant of Uncertain Significance.